The following is an entry in ClinVar:

NM_001365951.3(KIF1B):c.4105C>G (p.Leu1369Val)

Gene: KIF1B (kinesin family member 1B; plus strand). Cytogenetic location: 1p36.22.
Variant type: single nucleotide variant.
Coding change: c.4105C>G on transcript NM_001365951.3 (MANE Select); coding-DNA position 4105, C replaced by G.
Protein change: p.Leu1369Val; replaces leucine 1369 with valine.
Molecular consequence: missense variant.
Genome position (GRCh38, 1-based): chr1:10,360,978, C>G. VCF-style: chr1-10360978-C-G. GRCh37 (hg19) VCF-style: chr1-10421036-C-G.
Other names: c.4105C>G, p.Leu1369Val (NM_001365952.1); c.3967C>G, p.Leu1323Val (NM_015074.3); short protein forms L1323V, L1369V.
Identifiers: ClinVar variation 1736565 (VCV001736565.2), dbSNP rs1280962495, ClinGen allele CA338316096.

ClinVar aggregate classification (germline): Uncertain significance (1 of 4 stars; one submission).

Allele frequency attached by ClinVar (database versions not stated): gnomAD exomes below 0.00001.
gnomAD v4.1: 2 of 1,614,136 alleles (0.00012%); highest among the groups gnomAD compares: Non-Finnish European, 0.00017%; no homozygotes.

Submission:

Ambry Genetics
Classification: Uncertain significance. Last evaluated: 2024-03-13. Review status: criteria provided, single submitter. Criteria: Ambry Variant Classification Scheme 2023. Collection method: clinical testing. Allele origin: germline.
Comment: The p.L1323V variant (also known as c.3967C>G), located in coding exon 36 of the KIF1B gene, results from a C to G substitution at nucleotide position 3967. The leucine at codon 1323 is replaced by valine, an amino acid with highly similar properties. This amino acid position is conserved. In addition, the in silico prediction for this alteration is inconclusive. Since supporting evidence is limited at this time, the clinical significance of this alteration remains unclear.